The following is an entry in ClinVar:

NM_000330.4(RS1):c.215A>G (p.Glu72Gly)

Genes: CDKL5 (cyclin dependent kinase like 5; plus strand), RS1 (retinoschisin 1; minus strand). Cytogenetic location: Xp22.13.
Variant type: single nucleotide variant.
Coding change: c.215A>G on transcript NM_000330.4 (MANE Select); coding-DNA position 215, A replaced by G.
Protein change: p.Glu72Gly; replaces glutamic acid 72 with glycine.
Molecular consequence: missense variant. On other transcripts: intron variant (2).
Genome position (GRCh38, 1-based): chrX:18,647,302, T>C on the plus strand (A>G on the coding strand, the complement: RS1 is on the minus strand). VCF-style: chrX-18647302-T-C. GRCh37 (hg19) VCF-style: chrX-18665422-T-C.
Other names: NM_000330.4(RS1):c.215A>G; p.Glu72Gly; c.2797+1212T>C (NM_003159.3, NM_001037343.2); short protein forms E72G.
Identifiers: ClinVar variation 992968 (VCV000992968.11), dbSNP rs1927823799, ClinGen allele CA412372956.
Genomic context (GRCh38, chrX:18,647,302, plus strand): 5'-CAGCCCACATACTGCTCCGGGTTAGAGCAGGTGATCTGGTCCGGTGTGACCTCCCCTGAC[T>C]CGAAACCCAGAGGCTTGTGATATGGGCATTCTGGGAAAGGAAAAAGAATTCACATTCACA-3'
Protein context (NP_000321.1, residues 62-82): ECPYHKPLGF[Glu72Gly]SGEVTPDQIT

ClinVar aggregate classification (germline): Likely pathogenic. Review status: reviewed by expert panel (3 of 4 stars). 4 submissions from 4 submitters: Likely pathogenic (1). 3 of the submissions do not count toward it. Last evaluated 2026-09-26.

Conditions:
Juvenile retinoschisis (RS1). Also called: X-linked retinoschisis; X-Linked Juvenile Retinoschisis. Identifiers: Orphanet 792, MedGen C3714753, MONDO:0010725, OMIM 312700.

Submissions (4):

ClinGen X-linked Inherited Retinal Disease Variant Curation Expert Panel, ClinGen
Classification: Likely pathogenic for Juvenile retinoschisis. Last evaluated: 2026-09-26. Review status: reviewed by expert panel. Criteria: ClinGen X LinkedIRD ACMG Specifications RS1 V1.0.0. Collection method: curation. Allele origin: germline. Inheritance: X-linked inheritance.
Comment: The NM_000330.4(RS1):c.215A>G (p.Glu72Gly) variant is a missense variant encoding the substitution of Glutamic acid and Glycine at amino acid 72. This variant is absent from hemizygous individuals in gnomAD v4.1.0 (PM2_Supporting). The computational predictor REVEL gives a score of 0.971, which is above the ClinGen X-linked IRD VCEP threshold of >0.932 and predicts a damaging effect on RS1 function (PP3_strong). The computational splicing predictor SpliceAI gives a delta score of 0.05 for acceptor gain, which is below the ClinGen X-linked IRD VCEP threshold of >0.2 and does not predict that the variant disrupts RS1 splicing. The p.Plu72Gly variant in the NDP gene is a missense substitution that alters a critical cysteine residue involved in disulfide bond formation, as established by the ClinGen X-linked IRD VCEP (PMID: 27114531). While this functional importance supports consideration of PM1, the concurrent application of PP3 at the strong level renders PM1 inapplicable per ACMG/AMP guidelines. As a result, the PM1 criterion is considered unmet for this variant. Another two missense variants in the same codon, NM_000330.4(RS1):c.214G>C (p.Glu72Gln), (PMIDs: 19390641, 11295123, 28348004, 36460718, 39462066, 35456481) and NM_000330.4(RS1):c.214G>A (p.Glu72Lys) (PMIDs: 23288992, 11246454, 30025115, 28348004, 19324861, 22245991, 32531858, 29851975, 12746437) have been classified as pathogenic for X-linked retinoschisis by the ClinGen X-linked IRD VCEP, while no benign missense variants have been identified in this codon. The present variant has a higher Grantham’s distance (98) than the comparison variants (29, 56), and SpliceAI has been used to confirm that neither variant has a predicted impact on RS1 splicing (PM5). At least one proband harboring this variant exhibits the following phenotypes, including the appearance of schisis and reduced visual acuity before age 13 years, which together are specific for X-linked retinoschisis (PMID: 17631851, PP4). In summary, this variant is classified as likely pathogenic for X-linked retinoschisis based on the ClinGen X-linked Inherited Retinal Disease Expert Panel Specifications to the ACMG/AMP Variant Interpretation Guidelines for RS1 Version 1.0.0: PM2_Supporting, PP3_Strong, PM5, and PP4.

GeneDx
Classification: Pathogenic. Last evaluated: 2024-06-06. Review status: criteria provided, single submitter. Criteria: GeneDx Variant Classification Process June 2021. Collection method: clinical testing. Allele origin: germline. Affected: yes. Not counted in ClinVar's aggregate classification.
Comment: Not observed at significant frequency in large population cohorts (gnomAD); In silico analysis supports that this missense variant has a deleterious effect on protein structure/function; This variant is associated with the following publications: (PMID: 17631851)

Labcorp Genetics (formerly Invitae), Labcorp
Classification: Pathogenic. Last evaluated: 2021-07-14. Review status: criteria provided, single submitter. Criteria: Invitae Variant Classification Sherloc (09022015). Collection method: clinical testing. Allele origin: germline. Not counted in ClinVar's aggregate classification.
Comment: This variant is not present in population databases (ExAC no frequency). This variant has been observed in individuals with RS1-related conditions (PMID: 17631851; Invitae). ClinVar contains an entry for this variant (Variation ID: 992968). This sequence change replaces glutamic acid with glycine at codon 72 of the RS1 protein (p.Glu72Gly). The glutamic acid residue is highly conserved and there is a moderate physicochemical difference between glutamic acid and glycine. Advanced modeling of protein sequence and biophysical properties (such as structural, functional, and spatial information, amino acid conservation, physicochemical variation, residue mobility, and thermodynamic stability) performed at Invitae indicates that this missense variant is expected to disrupt RS1 protein function. This variant disrupts the p.Glu72 amino acid residue in RS1. Other variant(s) that disrupt this residue have been determined to be pathogenic (PMID: 9618178, 20809529, 28272453, 30652005; Invitae). This suggests that this residue is clinically significant, and that variants that disrupt this residue are likely to be disease-causing. For these reasons, this variant has been classified as Pathogenic.

Biochemical Molecular Genetic Laboratory, King Abdulaziz Medical City
Classification: Likely pathogenic for Juvenile retinoschisis. Last evaluated: 2020-08-07. Review status: no assertion criteria provided. Collection method: clinical testing. Allele origin: germline. Affected: yes. Not counted in ClinVar's aggregate classification.

Literature cited by the submitters: PubMed 17631851 (cited by Labcorp Genetics (formerly Invitae), Labcorp); PubMed 9618178 (cited by Labcorp Genetics (formerly Invitae), Labcorp); PubMed 20809529 (cited by Labcorp Genetics (formerly Invitae), Labcorp); PubMed 28272453 (cited by Labcorp Genetics (formerly Invitae), Labcorp); PubMed 30652005 (cited by Labcorp Genetics (formerly Invitae), Labcorp).